The following is an entry in ClinVar:

ClinVar aggregate classification (germline): Pathogenic/Likely pathogenic. Review status: criteria provided, multiple submitters, no conflicts (2 of 4 stars). 7 submissions from 7 submitters: Pathogenic (6); Likely pathogenic (1). Last evaluated 2025-02-16.

Conditions:
Polycystic kidney disease, adult type (PKD1). Also called: Polycystic Kidney, Autosomal Dominant; Polycystic Kidney Disease 1, Autosomal Dominant; Polycystic kidney disease 1; Polycystic kidney disease 1, severe; POLYCYSTIC KIDNEY DISEASE, ADULT, TYPE I; POLYCYSTIC KIDNEY DISEASE 1 WITH OR WITHOUT POLYCYSTIC LIVER DISEASE. Identifiers: MedGen C3149841, MONDO:0008263, OMIM 173900.
PKD1-related disorder. Also called: PKD1-related condition.

Allele frequency attached by ClinVar (database versions not stated): gnomAD 0.00001.
gnomAD v4.1: 1 of 1,612,392 alleles (0.000062%); highest among the groups gnomAD compares: Non-Finnish European, 0.000085%; no homozygotes.

Submissions (7):

Laboratory of Genetics, Children's Clinical University Hospital Latvia
Classification: Pathogenic. Last evaluated: 2025-02-16. Review status: criteria provided, single submitter. Criteria: ACMG Guidelines, 2015. Collection method: clinical testing. Allele origin: germline. Affected: yes.

Genomic Medicine Center of Excellence, King Faisal Specialist Hospital and Research Centre
Classification: Likely pathogenic for Polycystic kidney disease, adult type. Last evaluated: 2024-03-29. Review status: criteria provided, single submitter. Criteria: ACMG Guidelines, 2015. Collection method: clinical testing. Allele origin: germline.

Fulgent Genetics
Classification: Pathogenic for Polycystic kidney disease, adult type. Last evaluated: 2024-03-08. Review status: criteria provided, single submitter. Criteria: ACMG Guidelines, 2015. Collection method: clinical testing. Allele origin: germline.

Women's Health and Genetics/Laboratory Corporation of America, LabCorp
Classification: Pathogenic for Polycystic kidney disease, adult type. Last evaluated: 2023-12-22. Review status: criteria provided, single submitter. Criteria: LabCorp Variant Classification Summary - May 2015. Collection method: clinical testing. Allele origin: germline.
Comment: Variant summary: PKD1 c.12013C>T (p.Gln4005X) results in a premature termination codon, predicted to cause a truncation of the encoded protein or absence of the protein due to nonsense mediated decay, which are commonly known mechanisms for disease. Variants downstream of this position have been classified as pathogenic by our laboratory and in ClinVar. The variant was absent in 244788 control chromosomes (gnomAD). c.12013C>T has been reported in the literature in at-least one individual affected with Polycystic Kidney Disease 1 (example: Ali_2023). The following publication has been ascertained in the context of this evaluation (PMID: 36755831). No submitters have cited clinical-significance assessments for this variant to ClinVar after 2014. Based on the evidence outlined above, the variant was classified as pathogenic.

GeneDx
Classification: Pathogenic. Last evaluated: 2023-10-05. Review status: criteria provided, single submitter. Criteria: GeneDx Variant Classification Process June 2021. Collection method: clinical testing. Allele origin: germline. Affected: yes.
Comment: Nonsense variant predicted to result in protein truncation or nonsense mediated decay in a gene for which loss of function is a known mechanism of disease; Not observed at significant frequency in large population cohorts (gnomAD); This variant is associated with the following publications: (PMID: 22508176, 15772804, 22185115, 25525159, 10413889)

Blueprint Genetics
Classification: Pathogenic for PKD1-related disorders. Last evaluated: 2020-04-10. Review status: criteria provided, single submitter. Criteria: ACMG Guidelines, 2015. Collection method: clinical testing. Allele origin: germline. Affected: yes. Observed: 1 variant allele.

Department of Pathology and Laboratory Medicine, Sinai Health System
Classification: Pathogenic for Polycystic kidney disease, adult type. Last evaluated: 2019-12-12. Review status: criteria provided, single submitter. Criteria: ACMG Guidelines, 2015. Collection method: clinical testing. Allele origin: germline. Affected: yes.

Literature cited by the submitters: PubMed 36755831 (cited by Women's Health and Genetics/Laboratory Corporation of America, LabCorp); PubMed 22508176 (cited by Department of Pathology and Laboratory Medicine, Sinai Health System); PubMed 22185115 (cited by Department of Pathology and Laboratory Medicine, Sinai Health System).

NM_001009944.3(PKD1):c.12013C>T (p.Gln4005Ter)

Gene: PKD1 (polycystin 1, transient receptor potential channel interacting; minus strand). Cytogenetic location: 16p13.3.
Variant type: single nucleotide variant.
Coding change: c.12013C>T on transcript NM_001009944.3 (MANE Select); coding-DNA position 12013, C replaced by T.
Protein change: p.Gln4005Ter; replaces glutamine 4005 with a stop codon.
Molecular consequence: nonsense.
Genome position (GRCh38, 1-based): chr16:2,090,799, G>A on the plus strand (C>T on the coding strand, the complement: PKD1 is on the minus strand). VCF-style: chr16-2090799-G-A. GRCh37 (hg19) VCF-style: chr16-2140800-G-A.
Other names: c.12010C>T, p.Gln4004Ter (NM_000296.4); short protein forms Q4004*, Q4005*.
Identifiers: ClinVar variation 2691382 (VCV002691382.7), dbSNP rs1567148587, ClinGen allele CA394328142.